The following is an entry in ClinVar:

ClinVar aggregate classification (germline): Uncertain significance (1 of 4 stars; one submission).

Conditions:
Exostoses, multiple, type 1 (EXT1). Also called: EXOSTOSES, MULTIPLE, TYPE I; Hereditary Multiple Osteochondromatosis, Type I. Identifiers: MedGen CN263289, MONDO:0007585, OMIM 133700.

Allele frequency attached by ClinVar (database versions not stated): TOPMed below 0.00001; ExAC 0.00001; gnomAD 0.00001.
gnomAD v4.1: 7 of 1,613,614 alleles (0.00043%); highest among the groups gnomAD compares: South Asian, 0.0011%; no homozygotes.

Submission:

Neuberg Centre For Genomic Medicine, NCGM
Classification: Uncertain significance for Exostoses, multiple, type 1. Review status: criteria provided, single submitter. Criteria: ACMG Guidelines, 2015. Collection method: clinical testing. Allele origin: germline. Inheritance: Autosomal dominant inheritance. Affected: yes.
Comment: The missense c.1645C>Tp.Arg549Cys variant in EXT1 gene has not been reported previously as a pathogenic variant nor a benign variant, to our knowledge. The p.Arg549Cys variant has been reported with allele frequency of 0.0004% in gnomAD Exomes and is novel not in ny individuals in 1000 Genomes. This variant has not been reported to the ClinVar database. The amino acid change p.Arg549Cys in EXT1 is predicted as conserved by GERP++ and PhyloP across 100 vertebrates. The amino acid Arg at position 549 is changed to a Cys changing protein sequence and it might alter its composition and physico-chemical properties. For these reasons, this variant has been classified as a Variant of Uncertain Significance VUS.

NM_000127.3(EXT1):c.1645C>T (p.Arg549Cys)

Gene: EXT1 (exostosin glycosyltransferase 1; minus strand). Cytogenetic location: 8q24.11.
Variant type: single nucleotide variant.
Coding change: c.1645C>T on transcript NM_000127.3 (MANE Select); coding-DNA position 1645, C replaced by T.
Protein change: p.Arg549Cys; replaces arginine 549 with cysteine.
Molecular consequence: missense variant.
Genome position (GRCh38, 1-based): chr8:117,812,949, G>A on the plus strand (C>T on the coding strand, the complement: EXT1 is on the minus strand). VCF-style: chr8-117812949-G-A. GRCh37 (hg19) VCF-style: chr8-118825188-G-A.
Other names: short protein forms R549C.
Identifiers: ClinVar variation 3234996 (VCV003234996.1), dbSNP rs770038045, ClinGen allele CA4854059.